The following is an entry in ClinVar:

NM_000552.5(VWF):c.6908C>T (p.Thr2303Met)

Gene: VWF (von Willebrand factor; minus strand). Cytogenetic location: 12p13.31.
Variant type: single nucleotide variant.
Coding change: c.6908C>T on transcript NM_000552.5 (MANE Select); coding-DNA position 6908, C replaced by T.
Protein change: p.Thr2303Met; replaces threonine 2303 with methionine.
Molecular consequence: missense variant.
Genome position (GRCh38, 1-based): chr12:5,985,113, G>A on the plus strand (C>T on the coding strand, the complement: VWF is on the minus strand). VCF-style: chr12-5985113-G-A. GRCh37 (hg19) VCF-style: chr12-6094279-G-A.
Other names: c.6908C>T (NM_000552.4); short protein forms T2303M.
Identifiers: ClinVar variation 310047 (VCV000310047.8), dbSNP rs149432685, ClinGen allele CA6401845.

ClinVar aggregate classification (germline): Uncertain significance. Review status: criteria provided, multiple submitters, no conflicts (2 of 4 stars). 2 submissions from 2 submitters: Uncertain significance (2). Last evaluated 2025-12-02.

Allele frequency attached by ClinVar (database versions not stated): ESP Exome Variant Server 0.00008; gnomAD 0.00008 and 0.00009; TOPMed 0.00012.
gnomAD v4.1: 116 of 1,614,082 alleles (0.0072%); highest among the groups gnomAD compares: Admixed American, 0.12%; no homozygotes.

Submissions (2):

Women's Health and Genetics/Laboratory Corporation of America, LabCorp
Classification: Uncertain significance. Last evaluated: 2025-12-02. Review status: criteria provided, single submitter. Criteria: LabCorp Variant Classification Summary - May 2015. Collection method: clinical testing. Allele origin: germline.
Comment: Variant summary: VWF c.6908C>T (p.Thr2303Met) results in a non-conservative amino acid change in the encoded protein sequence. Algorithms developed to predict the effect of missense changes on protein structure and function are either unavailable or do not agree on the potential impact of this missense change. The variant allele was found at a frequency of 0.00028 in 251458 control chromosomes. This frequency is not significantly higher than estimated for disease-causing variants in VWF, allowing no conclusion about variant significance. To our knowledge, no occurrence of c.6908C>T in individuals affected with VWF-related conditions and no experimental evidence demonstrating its impact on protein function have been reported. The following publications have been ascertained in the context of this evaluation (PMID: 24185513, 33556167). ClinVar contains an entry for this variant (Variation ID: 310047). Based on the evidence outlined above, the variant was classified as uncertain significance.

Quest Diagnostics Nichols Institute San Juan Capistrano
Classification: Uncertain significance. Last evaluated: 2024-10-18. Review status: criteria provided, single submitter. Criteria: Quest Diagnostics criteria. Collection method: clinical testing. Allele origin: unknown.
Comment: The VWF c.6908C>T (p.Thr2303Met) variant has not been reported in individuals with VWF-related conditions in the published literature. The frequency of this variant in the general population, 0.0018 (64/35440 chromosomes (Genome Aggregation Database)), is uninformative in the assessment of its pathogenicity. Analysis of this variant using bioinformatics tools for the prediction of the effect of amino acid changes on protein structure and function yielded conflicting predictions that this variant is benign or damaging. Based on the available information, we are unable to determine the clinical significance of this variant.

Literature cited by the submitters: PubMed 33556167 (cited by Women's Health and Genetics/Laboratory Corporation of America, LabCorp); PubMed 24185513 (cited by Women's Health and Genetics/Laboratory Corporation of America, LabCorp and Quest Diagnostics Nichols Institute San Juan Capistrano); PubMed 23690449 (cited by Quest Diagnostics Nichols Institute San Juan Capistrano); PubMed 36644153 (cited by Quest Diagnostics Nichols Institute San Juan Capistrano).